The following is an entry in ClinVar:

ClinVar aggregate classification (germline): Uncertain significance (1 of 4 stars; one submission).

Conditions:
Inborn genetic diseases. Identifiers: MedGen C0950123, MeSH D030342.

Submission:

Ambry Genetics
Classification: Uncertain significance for Inborn genetic diseases. Last evaluated: 2026-03-10. Review status: criteria provided, single submitter. Criteria: Ambry Variant Classification Scheme 2023. Collection method: clinical testing. Allele origin: germline.
Comment: The p.P134S variant (also known as c.400C>T), located in coding exon 4 of the FANCA gene, results from a C to T substitution at nucleotide position 400. The proline at codon 134 is replaced by serine, an amino acid with similar properties. This amino acid position is conserved. In addition, this alteration is predicted to be tolerated by in silico analysis. Based on the available evidence, the clinical significance of this variant remains unclear.

NM_000135.4(FANCA):c.400C>T (p.Pro134Ser)

Gene: FANCA (FA complementation group A; minus strand). Cytogenetic location: 16q24.3.
Variant type: single nucleotide variant.
Coding change: c.400C>T on transcript NM_000135.4 (MANE Select); coding-DNA position 400, C replaced by T.
Protein change: p.Pro134Ser; replaces proline 134 with serine.
Molecular consequence: missense variant.
Genome position (GRCh38, 1-based): chr16:89,810,955, G>A on the plus strand (C>T on the coding strand, the complement: FANCA is on the minus strand). VCF-style: chr16-89810955-G-A. GRCh37 (hg19) VCF-style: chr16-89877363-G-A.
Other names: c.400C>T, p.Pro134Ser (NM_001018112.3, NM_001286167.3, NM_001351830.2); short protein forms P134S.
Identifiers: ClinVar variation 4826922 (VCV004826922.1).